The following is an entry in ClinVar:

ClinVar aggregate classification (germline): Uncertain significance. Review status: criteria provided, multiple submitters, no conflicts (2 of 4 stars). 2 submissions from 2 submitters: Uncertain significance (2). Last evaluated 2023-11-29.

Conditions:
Hereditary cancer-predisposing syndrome. Also called: Neoplastic Syndromes, Hereditary; Hereditary Cancer Syndrome; Tumor predisposition; Hereditary neoplastic syndrome. Identifiers: Orphanet 140162, MedGen C0027672, MeSH D009386, MONDO:0015356.

Submissions (2):

Labcorp Genetics (formerly Invitae), Labcorp
Classification: Uncertain significance. Last evaluated: 2023-11-29. Review status: criteria provided, single submitter. Criteria: Invitae Variant Classification Sherloc (09022015). Collection method: clinical testing. Allele origin: germline.
Comment: This sequence change replaces histidine, which is basic and polar, with tyrosine, which is neutral and polar, at codon 2264 of the POLE protein (p.His2264Tyr). This variant is not present in population databases (gnomAD no frequency). This variant has not been reported in the literature in individuals affected with POLE-related conditions. ClinVar contains an entry for this variant (Variation ID: 970238). Advanced modeling of protein sequence and biophysical properties (such as structural, functional, and spatial information, amino acid conservation, physicochemical variation, residue mobility, and thermodynamic stability) performed at Invitae indicates that this missense variant is not expected to disrupt POLE protein function with a negative predictive value of 80%. In summary, the available evidence is currently insufficient to determine the role of this variant in disease. Therefore, it has been classified as a Variant of Uncertain Significance.

Ambry Genetics
Classification: Uncertain significance for Hereditary cancer-predisposing syndrome. Last evaluated: 2023-05-15. Review status: criteria provided, single submitter. Criteria: Ambry Variant Classification Scheme 2023. Collection method: clinical testing. Allele origin: germline.
Comment: The p.H2264Y variant (also known as c.6790C>T), located in coding exon 49 of the POLE gene, results from a C to T substitution at nucleotide position 6790. The histidine at codon 2264 is replaced by tyrosine, an amino acid with similar properties. This amino acid position is conserved. In addition, this alteration is predicted to be tolerated by in silico analysis. Since supporting evidence is limited at this time, the clinical significance of this alteration remains unclear.

NM_006231.4(POLE):c.6790C>T (p.His2264Tyr)

Gene: POLE (DNA polymerase epsilon, catalytic subunit; minus strand). Cytogenetic location: 12q24.33.
Variant type: single nucleotide variant.
Coding change: c.6790C>T on transcript NM_006231.4 (MANE Select); coding-DNA position 6790, C replaced by T.
Protein change: p.His2264Tyr; replaces histidine 2264 with tyrosine.
Molecular consequence: missense variant.
Genome position (GRCh38, 1-based): chr12:132,624,768, G>A on the plus strand (C>T on the coding strand, the complement: POLE is on the minus strand). VCF-style: chr12-132624768-G-A. GRCh37 (hg19) VCF-style: chr12-133201354-G-A.
Other names: c.6790C>T (NM_006231.2); short protein forms H2264Y.
Identifiers: ClinVar variation 970238 (VCV000970238.11), dbSNP rs1555300733, ClinGen allele CA387365784.
Genomic context (GRCh38, chr12:132,624,768, plus strand): 5'-GCTGTGGGTTCTTCTGCAGCAGCCACTCCAGGGTCTCCAGGAGGTACGACATGCCGTAGT[G>A]CTGGGCAATGTTCCGGAATATTCCGATCTGTTCCATGAAGACCTGCAGGAATAAACAGGC-3'
Protein context (NP_006222.2, residues 2254-2274): QIGIFRNIAQ[His2264Tyr]YGMSYLLETL